The following is an entry in ClinVar:

NM_001077350.3(NPRL3):c.1307G>T (p.Gly436Val)

Genes: HBA-LCR (alpha-globin locus control region; plus strand), NPRL3 (NPR3 like, GATOR1 complex subunit; minus strand). Cytogenetic location: 16p13.3.
Variant type: single nucleotide variant.
Coding change: c.1307G>T on transcript NM_001077350.3 (MANE Select); coding-DNA position 1307, G replaced by T.
Protein change: p.Gly436Val; replaces glycine 436 with valine.
Molecular consequence: missense variant.
Genome position (GRCh38, 1-based): chr16:89,757, C>A on the plus strand (G>T on the coding strand, the complement: NPRL3 is on the minus strand). VCF-style: chr16-89757-C-A. GRCh37 (hg19) VCF-style: chr16-139755-C-A.
Other names: c.770G>T, p.Gly257Val (NM_001039476.3); c.1073G>T, p.Gly358Val (NM_001243247.2); c.1232G>T, p.Gly411Val (NM_001243248.2, NM_001243249.2); short protein forms G411V, G257V, G358V, G436V.
Identifiers: ClinVar variation 847167 (VCV000847167.9), dbSNP rs767317111, ClinGen allele CA7769377.

ClinVar aggregate classification (germline): Uncertain significance (1 of 4 stars; one submission).

Conditions:
Epilepsy, familial focal, with variable foci 3 (FFEVF3). Identifiers: MedGen C4310708, MONDO:0014925, OMIM 617118.

Allele frequency attached by ClinVar (database versions not stated): gnomAD exomes below 0.00001; ExAC 0.00001; TOPMed 0.00002.
gnomAD v4.1: 3 of 1,596,422 alleles (0.00019%); highest among the groups gnomAD compares: Non-Finnish European, 0.00026%; no homozygotes.

Submission:

Labcorp Genetics (formerly Invitae), Labcorp
Classification: Uncertain significance for Epilepsy, familial focal, with variable foci 3. Last evaluated: 2024-04-10. Review status: criteria provided, single submitter. Criteria: Invitae Variant Classification Sherloc (09022015). Collection method: clinical testing. Allele origin: germline.
Comment: This sequence change replaces glycine, which is neutral and non-polar, with valine, which is neutral and non-polar, at codon 436 of the NPRL3 protein (p.Gly436Val). This variant is not present in population databases (gnomAD no frequency). This variant has not been reported in the literature in individuals affected with NPRL3-related conditions. ClinVar contains an entry for this variant (Variation ID: 847167). Advanced modeling of protein sequence and biophysical properties (such as structural, functional, and spatial information, amino acid conservation, physicochemical variation, residue mobility, and thermodynamic stability) performed at Invitae indicates that this missense variant is not expected to disrupt NPRL3 protein function with a negative predictive value of 80%. In summary, the available evidence is currently insufficient to determine the role of this variant in disease. Therefore, it has been classified as a Variant of Uncertain Significance.